The following is an entry in ClinVar:

NM_006736.6(DNAJB2):c.352+8G>C

Gene: DNAJB2 (DnaJ heat shock protein family (Hsp40) member B2; plus strand). Cytogenetic location: 2q35.
Variant type: single nucleotide variant.
Coding change: c.352+8G>C on transcript NM_006736.6 (MANE Select); 8 bases into the intron after coding-DNA position 352, G replaced by C.
Molecular consequence: intron variant.
Genome position (GRCh38, 1-based): chr2:219,282,069, G>C. VCF-style: chr2-219282069-G-C. GRCh37 (hg19) VCF-style: chr2-220146791-G-C.
Other names: c.352+8G>C (NM_001039550.2, NM_006736.5).
Identifiers: ClinVar variation 705787 (VCV000705787.12), dbSNP rs989258467, ClinGen allele CA65958479.

ClinVar aggregate classification (germline): Likely benign. Review status: criteria provided, multiple submitters, no conflicts (2 of 4 stars). 2 submissions from 2 submitters: Likely benign (2). Last evaluated 2026-04-03.

Conditions:
DNAJB2-related disorder. Also called: DNAJB2-related condition.
Neuronopathy, distal hereditary motor, autosomal recessive 5. Also called: NEUROPATHY, DISTAL HEREDITARY MOTOR, AUTOSOMAL RECESSIVE 5; Spinal muscular atrophy, distal, autosomal recessive, 5; Young adult-onset distal hereditary motor neuropathy. Identifiers: Orphanet 314485, Orphanet 443950, MedGen C4749918, MONDO:0013947, OMIM 614881.

Allele frequency attached by ClinVar (database versions not stated): gnomAD exomes 0.00001 and 0.00003; TOPMed 0.00005; gnomAD 0.00006.
gnomAD v4.1: 45 of 1,613,960 alleles (0.0028%); highest among the groups gnomAD compares: Non-Finnish European, 0.0038%; no homozygotes.

Submissions (2):

PreventionGenetics, part of Exact Sciences
Classification: Likely benign for DNAJB2-related condition. Last evaluated: 2026-04-03. Review status: criteria provided, single submitter. Criteria: ACMG Guidelines, 2015. Collection method: clinical testing. Allele origin: germline.
Comment: This variant is classified as likely benign based on ACMG/AMP sequence variant interpretation guidelines (Richards et al. 2015 PMID: 25741868, with internal and published modifications).

Labcorp Genetics (formerly Invitae), Labcorp
Classification: Likely benign for Neuronopathy, distal hereditary motor, autosomal recessive 5. Last evaluated: 2024-10-16. Review status: criteria provided, single submitter. Criteria: Invitae Variant Classification Sherloc (09022015). Collection method: clinical testing. Allele origin: germline.